The following is an entry in ClinVar:

ClinVar aggregate classification (germline): Pathogenic (1 of 4 stars; one submission).

Conditions:
Autosomal recessive nonsyndromic hearing loss 6. Also called: NEUROSENSORY NONSYNDROMIC RECESSIVE DEAFNESS 6. Identifiers: Orphanet 90636, MedGen C1832992, MONDO:0010965, OMIM 600971.

Submission:

Institute of Rare Diseases, West China Hospital, Sichuan University
Classification: Pathogenic for Autosomal recessive nonsyndromic hearing loss 6. Last evaluated: 2025-01-09. Review status: criteria provided, single submitter. Criteria: ClinGen HL ACMG Specifications v1. Collection method: research. Allele origin: germline. Affected: yes.
Comment: PVS1;PM3_Supporting;PM2_Supporting

NM_147196.3(TMIE):c.286C>T (p.Arg96Ter)

Gene: TMIE (transmembrane inner ear; plus strand). Cytogenetic location: 3p21.31.
Variant type: single nucleotide variant.
Coding change: c.286C>T on transcript NM_147196.3 (MANE Select); coding-DNA position 286, C replaced by T.
Protein change: p.Arg96Ter; replaces arginine 96 with a stop codon.
Molecular consequence: nonsense.
Genome position (GRCh38, 1-based): chr3:46,709,200, C>T. VCF-style: chr3-46709200-C-T. GRCh37 (hg19) VCF-style: chr3-46750690-C-T.
Other names: c.127C>T, p.Arg43Ter (NM_001370524.1, NM_001370525.1); short protein forms R43*, R96*.
Identifiers: ClinVar variation 3601927 (VCV003601927.1).